The following is an entry in ClinVar:

ClinVar aggregate classification (germline): Uncertain significance (1 of 4 stars; one submission).

Submission:

Women's Health and Genetics/Laboratory Corporation of America, LabCorp
Classification: Uncertain significance. Last evaluated: 2026-04-07. Review status: criteria provided, single submitter. Criteria: LabCorp Variant Classification Summary - May 2015. Collection method: clinical testing. Allele origin: germline.
Comment: Variant summary: IRF2BP2 c.328G>C (p.Ala110Pro) results in a non-conservative amino acid change in the encoded protein sequence. Algorithms developed to predict the effect of missense changes on protein structure and function are either unavailable or do not agree on the potential impact of this missense change. The frequency data for this variant in gnomAD is considered unreliable, as metrics indicate poor data quality at this position. To our knowledge, no occurrence of c.328G>C in individuals affected with IRF2BP2-related conditions and no experimental evidence demonstrating its impact on protein function have been reported. No submitters have cited clinical-significance assessments for this variant to ClinVar. Based on the evidence outlined above, the variant was classified as uncertain significance.

NM_182972.3(IRF2BP2):c.328G>C (p.Ala110Pro)

Genes: IRF2BP2 (interferon regulatory factor 2 binding protein 2; minus strand), LOC129932812 (ATAC-STARR-seq lymphoblastoid silent region 1977; plus strand). Cytogenetic location: 1q42.3.
Variant type: single nucleotide variant.
Coding change: c.328G>C on transcript NM_182972.3 (MANE Select); coding-DNA position 328, G replaced by C.
Protein change: p.Ala110Pro; replaces alanine 110 with proline.
Molecular consequence: missense variant.
Genome position (GRCh38, 1-based): chr1:234,609,167, C>G on the plus strand (G>C on the coding strand, the complement: IRF2BP2 is on the minus strand). VCF-style: chr1-234609167-C-G. GRCh37 (hg19) VCF-style: chr1-234744913-C-G.
Other names: c.328G>C, p.Ala110Pro (NM_001077397.1); short protein forms A110P.
Identifiers: ClinVar variation 4848821 (VCV004848821.1).
Genomic context (GRCh38, chr1:234,609,167, plus strand): 5'-CGAGGCGCGGGGGCCTCTCGGCCGCGGCCGCCAACGGGTAGCGCTCCAAGGCCTGCGGCG[C>G]GCGCGGGGCCGCCTCGGGGCCGCCGTGGCCAAGCTGCTGCTGCTGCTGCAAAAGGATGTC-3'
Protein context (NP_892017.2, residues 100-120): GHGGPEAAPR[Ala110Pro]PQALERYPLA